The following is an entry in ClinVar:

ClinVar aggregate classification (germline): Uncertain significance. Review status: criteria provided, multiple submitters, no conflicts (2 of 4 stars). 3 submissions from 3 submitters: Uncertain significance (3). Last evaluated 2026-02-24.

Conditions:
Inborn genetic diseases. Identifiers: MedGen C0950123, MeSH D030342.
TCF3-related disorder. Also called: TCF3-related condition.

Allele frequency attached by ClinVar (database versions not stated): gnomAD 0.00001; gnomAD exomes 0.00001.
gnomAD v4.1: 11 of 1,550,166 alleles (0.00071%); highest among the groups gnomAD compares: Admixed American, 0.016%; no homozygotes.

Submissions (3):

PreventionGenetics, part of Exact Sciences
Classification: Uncertain significance for TCF3-related condition. Last evaluated: 2026-02-24. Review status: criteria provided, single submitter. Criteria: ACMG Guidelines, 2015. Collection method: clinical testing. Allele origin: germline.
Comment: The TCF3 c.98G>A variant is predicted to result in the amino acid substitution p.Gly33Glu. To our knowledge, this variant has not been reported in the literature. This variant is reported in 0.016% of alleles in individuals of Latino descent in gnomAD. At this time, the clinical significance of this variant is uncertain due to the absence of conclusive functional and genetic evidence.

Labcorp Genetics (formerly Invitae), Labcorp
Classification: Uncertain significance. Last evaluated: 2025-09-05. Review status: criteria provided, single submitter. Criteria: Invitae Variant Classification Sherloc (09022015). Collection method: clinical testing. Allele origin: germline.
Comment: This sequence change replaces glycine, which is neutral and non-polar, with glutamic acid, which is acidic and polar, at codon 33 of the TCF3 protein (p.Gly33Glu). This variant is present in population databases (no rsID available, gnomAD 0.02%). This variant has not been reported in the literature in individuals affected with TCF3-related conditions. ClinVar contains an entry for this variant (Variation ID: 2190928). Invitae Evidence Modeling of protein sequence and biophysical properties (such as structural, functional, and spatial information, amino acid conservation, physicochemical variation, residue mobility, and thermodynamic stability) indicates that this missense variant is expected to disrupt TCF3 protein function with a positive predictive value of 80%. In summary, the available evidence is currently insufficient to determine the role of this variant in disease. Therefore, it has been classified as a Variant of Uncertain Significance.

Ambry Genetics
Classification: Uncertain significance for Inborn genetic diseases. Last evaluated: 2025-08-21. Review status: criteria provided, single submitter. Criteria: Ambry Variant Classification Scheme 2023. Collection method: clinical testing. Allele origin: germline.

NM_003200.5(TCF3):c.98G>A (p.Gly33Glu)

Gene: TCF3 (transcription factor 3; minus strand). Cytogenetic location: 19p13.3.
Variant type: single nucleotide variant.
Coding change: c.98G>A on transcript NM_003200.5 (MANE Select); coding-DNA position 98, G replaced by A.
Protein change: p.Gly33Glu; replaces glycine 33 with glutamic acid.
Molecular consequence: missense variant.
Genome position (GRCh38, 1-based): chr19:1,646,402, C>T on the plus strand (G>A on the coding strand, the complement: TCF3 is on the minus strand). VCF-style: chr19-1646402-C-T. GRCh37 (hg19) VCF-style: chr19-1646401-C-T.
Other names: c.98G>A, p.Gly33Glu (NM_001136139.4, NM_001351778.2, NM_001351779.2); c.98G>A (NM_003200.3); short protein forms G33E.
Identifiers: ClinVar variation 2190928 (VCV002190928.6), dbSNP rs1356707949, ClinGen allele CA403080311.